The following is an entry in ClinVar:

NM_015030.2(FRYL):c.662G>A (p.Ser221Asn)

Gene: FRYL (FRY like transcription coactivator; minus strand). Cytogenetic location: 4p11.
Variant type: single nucleotide variant.
Coding change: c.662G>A on transcript NM_015030.2 (MANE Select); coding-DNA position 662, G replaced by A.
Protein change: p.Ser221Asn; replaces serine 221 with asparagine.
Molecular consequence: missense variant.
Genome position (GRCh38, 1-based): chr4:48,606,517, C>T on the plus strand (G>A on the coding strand, the complement: FRYL is on the minus strand). VCF-style: chr4-48606517-C-T. GRCh37 (hg19) VCF-style: chr4-48608534-C-T.
Other names: short protein forms S221N.
Identifiers: ClinVar variation 4535084 (VCV004535084.6).

ClinVar aggregate classification (germline): Uncertain significance (1 of 4 stars; one submission).

Submission:

CeGaT Center for Human Genetics Tuebingen
Classification: Uncertain significance. Last evaluated: 2025-10-01. Review status: criteria provided, single submitter. Criteria: CeGaT Center For Human Genetics Tuebingen Variant Classification Criteria Version 2. Collection method: clinical testing. Allele origin: germline. Affected: yes. Observed: 2 variant alleles.
Comment: FRYL: PM2, PS2:Supporting